The following is an entry in ClinVar:

NM_000051.4(ATM):c.8579C>A (p.Ser2860Tyr)

Genes: ATM (ATM serine/threonine kinase; plus strand), C11orf65 (chromosome 11 open reading frame 65; minus strand). Cytogenetic location: 11q22.3.
Variant type: single nucleotide variant.
Coding change: c.8579C>A on transcript NM_000051.4 (MANE Select); coding-DNA position 8579, C replaced by A.
Protein change: p.Ser2860Tyr; replaces serine 2860 with tyrosine.
Molecular consequence: missense variant. On other transcripts: intron variant (2).
Genome position (GRCh38, 1-based): chr11:108,345,903, C>A. VCF-style: chr11-108345903-C-A. GRCh37 (hg19) VCF-style: chr11-108216630-C-A.
Other names: c.8579C>A, p.Ser2860Tyr (NM_001351834.2); c.641-36832G>T (NM_001330368.2); c.695-10611G>T (NM_001351110.2); short protein forms S2860Y.
Identifiers: ClinVar variation 3600307 (VCV003600307.2).

ClinVar aggregate classification (germline): Uncertain significance (1 of 4 stars; one submission).

Conditions:
Ataxia-telangiectasia syndrome (AT). Also called: LOUIS-BAR SYNDROME; Cerebello-oculocutaneous telangiectasia; Immunodeficiency with ataxia telangiectasia; ATAXIA-TELANGIECTASIA, COMPLEMENTATION GROUP A; ATAXIA-TELANGIECTASIA, FRESNO VARIANT; Ataxia-telangiectasia. Identifiers: Orphanet 100, MedGen C0004135, MONDO:0008840, OMIM 208900.

Submission:

Kasturba Medical College, Manipal, Kasturba Medical College, Manipal, Manipal Academy of Higher Education, Manipal, India
Classification: Uncertain significance for Ataxia-telangiectasia syndrome. Review status: criteria provided, single submitter. Criteria: ACMG Guidelines, 2015. Collection method: research. Allele origin: maternal. Inheritance: Autosomal recessive inheritance. Affected: yes. Observed: 1 heterozygote.
Comment: This variant was absent in gnomAD population database and in our in-house data of 3464 exomes.